The following is an entry in ClinVar:

ClinVar aggregate classification (germline): Conflicting classifications of pathogenicity. Review status: criteria provided, conflicting classifications (1 of 4 stars). 6 submissions from 6 submitters: Uncertain significance (5); Likely benign (1). Last evaluated 2026-06-17.

Conditions:
COL6A2-related disorder.
Bethlem myopathy 1A. Also called: MYOPATHY, BENIGN CONGENITAL, WITH CONTRACTURES; Bethlem myopathy 1; Bethlem Muscular Dystrophy. Identifiers: Orphanet 610, MedGen CN029274, MONDO:0024530, OMIM 158810.
Inborn genetic diseases. Identifiers: MedGen C0950123, MeSH D030342.

Allele frequency attached by ClinVar (database versions not stated): ExAC 0.00001; gnomAD exomes 0.00001; gnomAD 0.00004; TOPMed 0.00004; ESP Exome Variant Server 0.00008.
gnomAD v4.1: 19 of 1,613,078 alleles (0.0012%); highest among the groups gnomAD compares: East Asian, 0.0022%; no homozygotes.

Submissions (6):

PreventionGenetics, part of Exact Sciences
Classification: Uncertain significance for COL6A2-related condition. Last evaluated: 2026-06-17. Review status: criteria provided, single submitter. Criteria: ACMG Guidelines, 2015. Collection method: clinical testing. Allele origin: germline.
Comment: The COL6A2 c.2153G>A variant is predicted to result in the amino acid substitution p.Ser718Asn. To our knowledge, this variant has not been reported in the literature. This variant is reported in 0.0054% of alleles in individuals of East Asian descent in gnomAD. At this time, the clinical significance of this variant is uncertain due to the absence of conclusive functional and genetic evidence.

Labcorp Genetics (formerly Invitae), Labcorp
Classification: Likely benign for Bethlem myopathy 1A. Last evaluated: 2026-01-06. Review status: criteria provided, single submitter. Criteria: Invitae Variant Classification Sherloc (09022015). Collection method: clinical testing. Allele origin: germline.

Ambry Genetics
Classification: Uncertain significance for Inborn genetic diseases. Last evaluated: 2023-09-20. Review status: criteria provided, single submitter. Criteria: Ambry Variant Classification Scheme 2023. Collection method: clinical testing. Allele origin: germline.

Revvity Omics, Revvity
Classification: Uncertain significance. Last evaluated: 2023-02-07. Review status: criteria provided, single submitter. Criteria: ACMG Guidelines, 2015. Collection method: clinical testing. Allele origin: germline.

CeGaT Center for Human Genetics Tuebingen
Classification: Uncertain significance. Last evaluated: 2022-12-01. Review status: criteria provided, single submitter. Criteria: CeGaT Center For Human Genetics Tuebingen Variant Classification Criteria Version 2. Collection method: clinical testing. Allele origin: germline. Affected: yes. Observed: 1 variant allele.

CENTOGENE GmbH and LLC - Guiding Precision Medicine
Classification: Uncertain significance for Bethlem myopathy 1A. Last evaluated: 2020-04-29. Review status: criteria provided, single submitter. Criteria: ACMG Guidelines, 2015. Collection method: clinical testing. Allele origin: germline. Affected: yes.

NM_001849.4(COL6A2):c.2153G>A (p.Ser718Asn)

Gene: COL6A2 (collagen type VI alpha 2 chain; plus strand). Cytogenetic location: 21q22.3.
Variant type: single nucleotide variant.
Coding change: c.2153G>A on transcript NM_001849.4 (MANE Select); coding-DNA position 2153, G replaced by A.
Protein change: p.Ser718Asn; replaces serine 718 with asparagine.
Molecular consequence: missense variant.
Genome position (GRCh38, 1-based): chr21:46,125,968, G>A. VCF-style: chr21-46125968-G-A. GRCh37 (hg19) VCF-style: chr21-47545882-G-A.
Other names: c.2153G>A, p.Ser718Asn (NM_058174.3, NM_058175.3); short protein forms S718N.
Identifiers: ClinVar variation 580074 (VCV000580074.37), dbSNP rs368641951, ClinGen allele CA10072451.